The following is an entry in ClinVar:

ClinVar aggregate classification (germline): Conflicting classifications of pathogenicity. Review status: criteria provided, conflicting classifications (1 of 4 stars). 2 submissions from 2 submitters: Uncertain significance (1); Likely benign (1). Last evaluated 2024-11-18.

Allele frequency attached by ClinVar (database versions not stated): gnomAD exomes 0.00002; ExAC 0.00006; ESP Exome Variant Server 0.00015; gnomAD 0.00023; TOPMed 0.00029; 1000 Genomes Project 30x 0.00031; 1000 Genomes Project 0.00040.
gnomAD v4.1: 71 of 1,614,166 alleles (0.0044%); highest among the groups gnomAD compares: African/African-American, 0.083%; no homozygotes.

Submissions (2):

Labcorp Genetics (formerly Invitae), Labcorp
Classification: Likely benign. Last evaluated: 2024-11-18. Review status: criteria provided, single submitter. Criteria: Invitae Variant Classification Sherloc (09022015). Collection method: clinical testing. Allele origin: germline.

Greenwood Genetic Center Diagnostic Laboratories, Greenwood Genetic Center
Classification: Uncertain significance. Last evaluated: 2023-05-09. Review status: criteria provided, single submitter. Criteria: ACMG Guidelines, 2015. Collection method: clinical testing. Allele origin: germline. Affected: yes.
Comment: PM2, BP4, PP2

NM_001001331.4(ATP2B2):c.1427A>G (p.Lys476Arg)

Gene: ATP2B2 (ATPase plasma membrane Ca2+ transporting 2; minus strand). Cytogenetic location: 3p25.3.
Variant type: single nucleotide variant.
Coding change: c.1427A>G on transcript NM_001001331.4 (MANE Select); coding-DNA position 1427, A replaced by G.
Protein change: p.Lys476Arg; replaces lysine 476 with arginine.
Molecular consequence: missense variant.
Genome position (GRCh38, 1-based): chr3:10,372,041, T>C on the plus strand (A>G on the coding strand, the complement: ATP2B2 is on the minus strand). VCF-style: chr3-10372041-T-C. GRCh37 (hg19) VCF-style: chr3-10413725-T-C.
Other names: c.1292A>G, p.Lys431Arg (NM_001330611.3, NM_001353564.1, NM_001363862.1 and 1 more transcripts); short protein forms K431R, K476R.
Identifiers: ClinVar variation 2184078 (VCV002184078.5), dbSNP rs143304473, ClinGen allele CA2253658.
Genomic context (GRCh38, chr3:10,372,041, plus strand): 5'-ATGGCTGTGGCATTGCCCATGGTCTCACAGGCATCCAGGTGGCGTACCAGGTTGTTGTCC[T>C]TCATCATTTTCTGGGAGAAGGGGCAGGTGAGAGGGCAACAGTGAGGAGAGGGGCTGGGGA-3'
Protein context (NP_001001331.1, residues 466-486): SLAYSVKKMM[Lys476Arg]DNNLVRHLDA